The following is an entry in ClinVar:

NM_001160148.2(DDHD1):c.1751A>G (p.Tyr584Cys)

Gene: DDHD1 (DDHD domain containing 1; minus strand). Cytogenetic location: 14q22.1.
Variant type: single nucleotide variant.
Coding change: c.1751A>G on transcript NM_001160148.2 (MANE Select); coding-DNA position 1751, A replaced by G.
Protein change: p.Tyr584Cys; replaces tyrosine 584 with cysteine.
Molecular consequence: missense variant.
Genome position (GRCh38, 1-based): chr14:53,062,958, T>C on the plus strand (A>G on the coding strand, the complement: DDHD1 is on the minus strand). VCF-style: chr14-53062958-T-C. GRCh37 (hg19) VCF-style: chr14-53529676-T-C.
Other names: c.1772A>G, p.Tyr591Cys (NM_001160147.2); c.1751A>G, p.Tyr584Cys (NM_030637.3); short protein forms Y584C, Y591C.
Identifiers: ClinVar variation 2197926 (VCV002197926.4), dbSNP rs774785090, ClinGen allele CA7191167.

ClinVar aggregate classification (germline): Uncertain significance (1 of 4 stars; one submission).

Conditions:
Hereditary spastic paraplegia 28. Also called: Spastic paraplegia 28, autosomal recessive. Identifiers: Orphanet 101008, MedGen C1836295, MONDO:0012256, OMIM 609340.

Allele frequency attached by ClinVar (database versions not stated): TOPMed below 0.00001; ExAC 0.00001; gnomAD exomes 0.00001.
gnomAD v4.1: 11 of 1,614,018 alleles (0.00068%); highest among the groups gnomAD compares: South Asian, 0.0033%; no homozygotes.

Submission:

Labcorp Genetics (formerly Invitae), Labcorp
Classification: Uncertain significance for Hereditary spastic paraplegia 28. Last evaluated: 2022-10-17. Review status: criteria provided, single submitter. Criteria: Invitae Variant Classification Sherloc (09022015). Collection method: clinical testing. Allele origin: germline.
Comment: In summary, the available evidence is currently insufficient to determine the role of this variant in disease. Therefore, it has been classified as a Variant of Uncertain Significance. Advanced modeling of protein sequence and biophysical properties (such as structural, functional, and spatial information, amino acid conservation, physicochemical variation, residue mobility, and thermodynamic stability) performed at Invitae indicates that this missense variant is not expected to disrupt DDHD1 protein function. This variant has not been reported in the literature in individuals affected with DDHD1-related conditions. This variant is present in population databases (rs774785090, gnomAD 0.003%). This sequence change replaces tyrosine, which is neutral and polar, with cysteine, which is neutral and slightly polar, at codon 591 of the DDHD1 protein (p.Tyr591Cys).